The following is an entry in ClinVar:

ClinVar aggregate classification (germline): Uncertain significance (1 of 4 stars; one submission).

Submission:

Ambry Genetics
Classification: Uncertain significance. Last evaluated: 2022-09-18. Review status: criteria provided, single submitter. Criteria: Ambry Variant Classification Scheme 2023. Collection method: clinical testing. Allele origin: germline.
Comment: The p.A109S variant (also known as c.325G>T), located in coding exon 1 of the EGLN2 gene, results from a G to T substitution at nucleotide position 325. The alanine at codon 109 is replaced by serine, an amino acid with similar properties. This amino acid position is conserved. In addition, this alteration is predicted to be tolerated by in silico analysis. Since supporting evidence is limited at this time, the clinical significance of this alteration remains unclear.

NM_080732.4(EGLN2):c.325G>T (p.Ala109Ser)

Genes: EGLN2 (egl-9 family hypoxia inducible factor 2; plus strand), RAB4B-EGLN2 (RAB4B-EGLN2 readthrough (NMD candidate); plus strand). Cytogenetic location: 19q13.2.
Variant type: single nucleotide variant.
Coding change: c.325G>T on transcript NM_080732.4 (MANE Select); coding-DNA position 325, G replaced by T.
Protein change: p.Ala109Ser; replaces alanine 109 with serine.
Molecular consequence: missense variant. On other transcripts: non-coding transcript variant (1).
Genome position (GRCh38, 1-based): chr19:40,800,897, G>T. VCF-style: chr19-40800897-G-T. GRCh37 (hg19) VCF-style: chr19-41306802-G-T.
Other names: c.325G>T, p.Ala109Ser (NM_053046.4); short protein forms A109S.
Identifiers: ClinVar variation 1729521 (VCV001729521.2), dbSNP rs2515993583, ClinGen allele CA405955020.